The following is an entry in ClinVar:

ClinVar aggregate classification (germline): Likely benign. Review status: criteria provided, multiple submitters, no conflicts (2 of 4 stars). 2 submissions from 2 submitters: Likely benign (2). Last evaluated 2018-06-19.

Allele frequency attached by ClinVar (database versions not stated): 1000 Genomes Project 0.01538; 1000 Genomes Project 30x 0.01577; gnomAD 0.02415 and 0.02490; gnomAD exomes 0.02483 and 0.03400; ExAC 0.02593; ESP Exome Variant Server 0.02656; TOPMed 0.02684.
gnomAD v4.1: 53,243 of 1,610,570 alleles (3.3%); highest among the groups gnomAD compares: Non-Finnish European, 3.9%; 1,038 homozygotes.

Submissions (2):

GeneDx
Classification: Likely benign. Last evaluated: 2018-06-19. Review status: criteria provided, single submitter. Criteria: GeneDx Variant Classification (06012015). Collection method: clinical testing. Allele origin: germline. Affected: yes.
Comment: This variant is considered likely benign or benign based on one or more of the following criteria: it is a conservative change, it occurs at a poorly conserved position in the protein, it is predicted to be benign by multiple in silico algorithms, and/or has population frequency not consistent with disease.

Breakthrough Genomics
Classification: Likely benign. Review status: criteria provided, single submitter. Criteria: ACMG Guidelines, 2015. Collection method: not provided. Allele origin: germline. Inheritance: Autosomal dominant inheritance. Affected: yes.

NM_001271.4(CHD2):c.4414-26G>A

Gene: CHD2 (chromodomain helicase DNA binding protein 2; plus strand). Cytogenetic location: 15q26.1.
Variant type: single nucleotide variant.
Coding change: c.4414-26G>A on transcript NM_001271.4 (MANE Select); 26 bases into the intron before coding-DNA position 4414, G replaced by A.
Molecular consequence: intron variant.
Genome position (GRCh38, 1-based): chr15:93,009,119, G>A. VCF-style: chr15-93009119-G-A. GRCh37 (hg19) VCF-style: chr15-93552349-G-A.
Identifiers: ClinVar variation 678936 (VCV000678936.2), dbSNP rs72647789, ClinGen allele CA7748473.